The following is an entry in ClinVar:

ClinVar aggregate classification (germline): Conflicting classifications of pathogenicity. Review status: criteria provided, conflicting classifications (1 of 4 stars). 3 submissions from 3 submitters: Uncertain significance (2); Likely benign (1). Last evaluated 2026-02-11.

Conditions:
Inborn genetic diseases. Identifiers: MedGen C0950123, MeSH D030342.

Allele frequency attached by ClinVar (database versions not stated): gnomAD 0.00004 and 0.00005; gnomAD exomes 0.00006 and 0.00024; ExAC 0.00015; TOPMed 0.00015.
gnomAD v4.1: 89 of 1,613,584 alleles (0.0055%); highest among the groups gnomAD compares: Admixed American, 0.11%; no homozygotes.

Submissions (3):

Women's Health and Genetics/Laboratory Corporation of America, LabCorp
Classification: Uncertain significance. Last evaluated: 2026-02-11. Review status: criteria provided, single submitter. Criteria: LabCorp Variant Classification Summary - May 2015. Collection method: clinical testing. Allele origin: germline.
Comment: Variant summary: MYO15A c.4718C>T (p.Ala1573Val) results in a non-conservative amino acid change in the encoded protein sequence. Algorithms developed to predict the effect of missense changes on protein structure and function are either unavailable or do not agree on the potential impact of this missense change. The variant allele was found at a frequency of 0.00024 in 248634 control chromosomes. This frequency is not significantly higher than estimated for disease-causing variants in MYO15A, allowing no conclusion about variant significance. To our knowledge, no occurrence of c.4718C>T in individuals affected with MYO15A-related conditions and no experimental evidence demonstrating its impact on protein function have been reported. ClinVar contains an entry for this variant (Variation ID: 1101708). Based on the evidence outlined above, the variant was classified as uncertain significance.

Labcorp Genetics (formerly Invitae), Labcorp
Classification: Likely benign. Last evaluated: 2025-11-26. Review status: criteria provided, single submitter. Criteria: Invitae Variant Classification Sherloc (09022015). Collection method: clinical testing. Allele origin: germline.

Ambry Genetics
Classification: Uncertain significance for Inborn genetic diseases. Last evaluated: 2021-06-22. Review status: criteria provided, single submitter. Criteria: Ambry Variant Classification Scheme 2023. Collection method: clinical testing. Allele origin: germline.

NM_016239.4(MYO15A):c.4718C>T (p.Ala1573Val)

Gene: MYO15A (myosin XVA; plus strand). Cytogenetic location: 17p11.2.
Variant type: single nucleotide variant.
Coding change: c.4718C>T on transcript NM_016239.4 (MANE Select); coding-DNA position 4718, C replaced by T.
Protein change: p.Ala1573Val; replaces alanine 1573 with valine.
Molecular consequence: missense variant.
Genome position (GRCh38, 1-based): chr17:18,136,625, C>T. VCF-style: chr17-18136625-C-T. GRCh37 (hg19) VCF-style: chr17-18039939-C-T.
Other names: c.4718C>T (NM_016239.3); short protein forms A1573V.
Identifiers: ClinVar variation 1101708 (VCV001101708.9), dbSNP rs764012209, ClinGen allele CA8424006.